The following is an entry in ClinVar:

NM_000455.5(STK11):c.186G>T (p.Lys62Asn)

Gene: STK11 (serine/threonine kinase 11; plus strand). Cytogenetic location: 19p13.3.
Variant type: single nucleotide variant.
Coding change: c.186G>T on transcript NM_000455.5 (MANE Select); coding-DNA position 186, G replaced by T.
Protein change: p.Lys62Asn; replaces lysine 62 with asparagine.
Molecular consequence: missense variant. On other transcripts: non-coding transcript variant (1).
Genome position (GRCh38, 1-based): chr19:1,207,099, G>T. VCF-style: chr19-1207099-G-T. GRCh37 (hg19) VCF-style: chr19-1207098-G-T.
Other names: c.186G>T, p.Lys62Asn (NM_001407255.1); short protein forms K62N.
Identifiers: ClinVar variation 4865214 (VCV004865214.1).
Genomic context (GRCh38, chr19:1,207,099, plus strand): 5'-GGCCAAGCTCATCGGCAAGTACCTGATGGGGGACCTGCTGGGGGAAGGCTCTTACGGCAA[G>T]GTGAAGGAGGTGCTGGACTCGGAGACGCTGTGCAGGAGGGCCGTCAAGATCCTCAAGAAG-3'
Protein context (NP_000446.1, residues 52-72): GDLLGEGSYG[Lys62Asn]VKEVLDSETL

ClinVar aggregate classification (germline): Uncertain significance (1 of 4 stars; one submission).

Conditions:
Hereditary cancer-predisposing syndrome. Also called: Neoplastic Syndromes, Hereditary; Tumor predisposition; Hereditary Cancer Syndrome; Hereditary neoplastic syndrome. Identifiers: Orphanet 140162, MedGen C0027672, MeSH D009386, MONDO:0015356.

Submission:

Ambry Genetics
Classification: Uncertain significance for Hereditary cancer-predisposing syndrome. Last evaluated: 2026-06-02. Review status: criteria provided, single submitter. Criteria: Ambry Variant Classification Scheme 2023. Collection method: clinical testing. Allele origin: germline.
Comment: The p.K62N variant (also known as c.186G>T), located in coding exon 1 of the STK11 gene, results from a G to T substitution at nucleotide position 186. The lysine at codon 62 is replaced by asparagine, an amino acid with similar properties. This amino acid position is highly conserved in available vertebrate species. In addition, this alteration is predicted to be tolerated by in silico analysis. Based on the available evidence, the clinical significance of this variant remains unclear.